The following is an entry in ClinVar:

NM_004963.4(GUCY2C):c.1161C>A (p.Asp387Glu)

Genes: GUCY2C (guanylate cyclase 2C; minus strand), GUCY2C-AS1 (GUCY2C antisense RNA 1; plus strand). Cytogenetic location: 12p12.3.
Variant type: single nucleotide variant.
Coding change: c.1161C>A on transcript NM_004963.4 (MANE Select); coding-DNA position 1161, C replaced by A.
Protein change: p.Asp387Glu; replaces aspartic acid 387 with glutamic acid.
Molecular consequence: missense variant.
Genome position (GRCh38, 1-based): chr12:14,672,882, G>T on the plus strand (C>A on the coding strand, the complement: GUCY2C is on the minus strand). VCF-style: chr12-14672882-G-T. GRCh37 (hg19) VCF-style: chr12-14825816-G-T.
Other names: c.1161C>A (NM_004963.3); short protein forms D387E.
Identifiers: ClinVar variation 1519311 (VCV001519311.7), dbSNP rs375279933, ClinGen allele CA6463528.

ClinVar aggregate classification (germline): Uncertain significance. Review status: criteria provided, multiple submitters, no conflicts (2 of 4 stars). 2 submissions from 2 submitters: Uncertain significance (2). Last evaluated 2025-11-05.

Conditions:
Inborn genetic diseases. Identifiers: MedGen C0950123, MeSH D030342.

Allele frequency attached by ClinVar (database versions not stated): gnomAD 0.00006 and 0.00007; TOPMed 0.00007; ExAC 0.00008; ESP Exome Variant Server 0.00008.
gnomAD v4.1: 312 of 1,588,798 alleles (0.02%); highest among the groups gnomAD compares: Non-Finnish European, 0.026%; no homozygotes.

Submissions (2):

Labcorp Genetics (formerly Invitae), Labcorp
Classification: Uncertain significance. Last evaluated: 2025-11-05. Review status: criteria provided, single submitter. Criteria: Invitae Variant Classification Sherloc (09022015). Collection method: clinical testing. Allele origin: germline.
Comment: This sequence change replaces aspartic acid, which is acidic and polar, with glutamic acid, which is acidic and polar, at codon 387 of the GUCY2C protein (p.Asp387Glu). This variant is present in population databases (rs375279933, gnomAD 0.02%). This variant has not been reported in the literature in individuals affected with GUCY2C-related conditions. ClinVar contains an entry for this variant (Variation ID: 1519311). Invitae Evidence Modeling of protein sequence and biophysical properties (such as structural, functional, and spatial information, amino acid conservation, physicochemical variation, residue mobility, and thermodynamic stability) indicates that this missense variant is not expected to disrupt GUCY2C protein function with a negative predictive value of 80%. In summary, the available evidence is currently insufficient to determine the role of this variant in disease. Therefore, it has been classified as a Variant of Uncertain Significance.

Ambry Genetics
Classification: Uncertain significance for Inborn genetic diseases. Last evaluated: 2021-06-18. Review status: criteria provided, single submitter. Criteria: Ambry Variant Classification Scheme 2023. Collection method: clinical testing. Allele origin: germline.